The following is an entry in ClinVar:

Conditions:
Breast-ovarian cancer, familial, susceptibility to, 1 (BROVCA1). Also called: BRCA1 Hereditary Breast and Ovarian Cancer; OVARIAN CANCER, SUSCEPTIBILITY TO. Identifiers: Orphanet 145, MedGen C2676676, MONDO:0011450, OMIM 604370. Disease mechanism: loss of function.

Submission:

Brotman Baty Institute, University of Washington
No classification provided (evidence only). Condition: Breast-ovarian cancer, familial 1. Review status: no classification provided. Collection method: in vitro. Allele origin: not applicable. Functional consequence: functionally_normal.
ClinVar note: "not provided" was previously submitted as the classification for the variant. However, the classification appeared to be based only on an observation of functional data so it was converted to no classification on 2025-07-30.

NM_007294.4(BRCA1):c.81-21T>A

Gene: BRCA1 (BRCA1 DNA repair associated; minus strand). Cytogenetic location: 17q21.31.
Variant type: single nucleotide variant.
Coding change: c.81-21T>A on transcript NM_007294.4 (MANE Select); 21 bases into the intron before coding-DNA position 81, T replaced by A.
Molecular consequence: intron variant.
Genome position (GRCh38, 1-based): chr17:43,115,800, A>T on the plus strand (T>A on the coding strand, the complement: BRCA1 is on the minus strand). VCF-style: chr17-43115800-A-T. GRCh37 (hg19) VCF-style: chr17-41267817-A-T.
Other names: c.-61-21T>A (NM_001407847.1, NM_001407740.1, NM_001408499.1 and 47 more transcripts); c.81-21T>A (NM_001408422.1, NM_001407874.1, NM_001408416.1 and 191 more transcripts); c.-177-21T>A (NM_001407727.1, NM_001407724.1, NM_001407746.1 and 13 more transcripts); c.-108-21T>A (NM_001407896.1, NM_001407952.1, NM_001407571.1 and 52 more transcripts); c.-224-21T>A (NM_001407900.1, NM_001408492.1, NM_001407889.1); c.-57-21T>A (NM_001407841.1); c.-55+8217T>A (NM_001407902.1, NM_001407898.1, NM_001407881.1); c.-219+9477T>A (NM_001407967.1); and 10 more.
Identifiers: ClinVar variation 867441 (VCV000867441.3), dbSNP rs2055269377, ClinGen allele CA916081096.